The following is an entry in ClinVar:

NM_001211.6(BUB1B):c.810T>A (p.Ser270Arg)

Gene: BUB1B (BUB1 mitotic checkpoint serine/threonine kinase B; plus strand). Cytogenetic location: 15q15.1.
Variant type: single nucleotide variant.
Coding change: c.810T>A on transcript NM_001211.6 (MANE Select); coding-DNA position 810, T replaced by A.
Protein change: p.Ser270Arg; replaces serine 270 with arginine.
Molecular consequence: missense variant.
Genome position (GRCh38, 1-based): chr15:40,185,223, T>A. VCF-style: chr15-40185223-T-A. GRCh37 (hg19) VCF-style: chr15-40477424-T-A.
Other names: short protein forms S270R.
Identifiers: ClinVar variation 3221446 (VCV003221446.1), dbSNP rs1205669680, ClinGen allele CA391684109.

ClinVar aggregate classification (germline): Uncertain significance (1 of 4 stars; one submission).

Conditions:
Inborn genetic diseases. Identifiers: MedGen C0950123, MeSH D030342.

gnomAD v4.1: 1 of 1,614,096 alleles (0.000062%); no homozygotes.

Submission:

Ambry Genetics
Classification: Uncertain significance for Inborn genetic diseases. Last evaluated: 2023-10-09. Review status: criteria provided, single submitter. Criteria: Ambry Variant Classification Scheme 2023. Collection method: clinical testing. Allele origin: germline.
Comment: The p.S270R variant (also known as c.810T>A), located in coding exon 7 of the BUB1B gene, results from a T to A substitution at nucleotide position 810. The serine at codon 270 is replaced by arginine, an amino acid with dissimilar properties. This amino acid position is conserved. In addition, this alteration is predicted to be tolerated by in silico analysis. Since supporting evidence is limited at this time, the clinical significance of this alteration remains unclear.